The following is an entry in ClinVar:

ClinVar aggregate classification (germline): Pathogenic/Likely pathogenic. Review status: criteria provided, multiple submitters, no conflicts (2 of 4 stars). 2 submissions from 2 submitters: Pathogenic (1); Likely pathogenic (1). Last evaluated 2025-11-17.

Conditions:
Joubert syndrome 3 (JBTS3). Also called: AHI1-related Ciliopathy. Identifiers: Orphanet 220493, MedGen C1837713, MONDO:0012078, OMIM 608629.

Submissions (2):

Myriad Genetics, Inc.
Classification: Pathogenic for Joubert syndrome 3. Last evaluated: 2025-11-17. Review status: criteria provided, single submitter. Criteria: Myriad Autosomal Dominant, Autosomal Recessive and X-Linked Classification Criteria (2023). Collection method: clinical testing. Allele origin: unknown.
Comment: NM_001134831.1(AHI1):c.2744_2760del17(L915Pfs*8) is expected to be pathogenic in the context of Joubert syndrome, AHI1-related. This variant is predicted to lead to an abnormal or absent protein product due to the creation of a premature termination codon in AHI1, a gene where loss-of-function variants are known to be pathogenic. Please note: this variant was assessed in the context of healthy population screening.

GeneDx
Classification: Likely pathogenic. Last evaluated: 2025-05-20. Review status: criteria provided, single submitter. Criteria: GeneDx Variant Classification Process June 2021. Collection method: clinical testing. Allele origin: germline. Affected: yes.
Comment: Frameshift variant predicted to result in protein truncation or nonsense mediated decay in a gene for which loss of function is a known mechanism of disease; Not observed at significant frequency in large population cohorts (gnomAD); Has not been previously published as pathogenic or benign to our knowledge

NM_001134831.2(AHI1):c.2744_2760del (p.Leu915fs)

Gene: AHI1 (Abelson helper integration site 1; minus strand). Cytogenetic location: 6q23.3.
Variant type: Deletion.
Coding change: c.2744_2760del on transcript NM_001134831.2 (MANE Select); coding-DNA positions 2744 to 2760, 17 bases deleted (TGTATATTTACGATTTC).
Protein change: p.Leu915fs; shifts the reading frame from leucine 915.
Molecular consequence: frameshift variant.
Genome position (GRCh38, 1-based): chr6:135,427,171-135,427,187, GAAATCGTAAATATACA deleted on the plus strand (TGTATATTTACGATTTC on the coding strand, the reverse complement: AHI1 is on the minus strand); deleting any 17 consecutive bases within chr6:135,427,171-135,427,190 gives the same sequence; the c. name uses the placement nearest the transcript's 3' end. VCF-style (leftmost placement, unchanged base first): chr6-135427170-GGAAATCGTAAATATACA-G. GRCh37 (hg19) VCF-style: chr6-135748308-GGAAATCGTAAATATACA-G.
Other names: c.2744_2760del, p.Leu915fs (NM_001350503.2, NM_001350504.2, NM_017651.5 and 2 more transcripts); short protein forms L915fs.
Identifiers: ClinVar variation 4530946 (VCV004530946.2).
Genomic context (GRCh38, chr6:135,427,170, plus strand): 5'-TAGTCTAAATGTAAAGGTTACTCTAAAAATTCTTTACTTATCAAGTGGTAGACTTACCAT[GGAAATCGTAAATATACA>G]GAAGAATTGGCTCATTTTGCCCAAATGCACAGAATGCAACCATATTTTCAAATGGATGAT-3'